The following is an entry in ClinVar:

NM_001909.5(CTSD):c.984_985del (p.Pro328_Cys329insTer)

Gene: CTSD (cathepsin D; minus strand). Cytogenetic location: 11p15.5.
Variant type: Deletion.
Coding change: c.984_985del on transcript NM_001909.5 (MANE Select); coding-DNA positions 984 to 985, 2 bases deleted (CT; older notation c.984_985delCT).
Protein change: p.Pro328_Cys329insTer.
Molecular consequence: frameshift variant.
Genome position (GRCh38, 1-based): chr11:1,753,889-1,753,890, AG deleted on the plus strand (CT on the coding strand, the reverse complement: CTSD is on the minus strand). VCF-style (leftmost placement, unchanged base first): chr11-1753888-CAG-C. GRCh37 (hg19) VCF-style: chr11-1775118-CAG-C.
Identifiers: ClinVar variation 2135026 (VCV002135026.4), dbSNP rs2493816593, ClinGen allele CA2580082659.

ClinVar aggregate classification (germline): Pathogenic (1 of 4 stars; one submission).

Conditions:
Neuronal ceroid lipofuscinosis. Also called: Neuronal Ceroid Lipofuscinoses. Identifiers: Orphanet 216, Orphanet 79263, MedGen C0027877, MONDO:0016295. Disease mechanism: loss of function.

Allele frequency attached by ClinVar (database versions not stated): gnomAD exomes below 0.00001.

Submission:

Labcorp Genetics (formerly Invitae), Labcorp
Classification: Pathogenic for Neuronal ceroid lipofuscinosis. Last evaluated: 2022-05-07. Review status: criteria provided, single submitter. Criteria: Invitae Variant Classification Sherloc (09022015). Collection method: clinical testing. Allele origin: germline.
Comment: This variant has not been reported in the literature in individuals affected with CTSD-related conditions. For these reasons, this variant has been classified as Pathogenic. This variant is not present in population databases (gnomAD no frequency). This sequence change creates a premature translational stop signal (p.Cys329*) in the CTSD gene. It is expected to result in an absent or disrupted protein product. Loss-of-function variants in CTSD are known to be pathogenic (PMID: 16670177, 26059544).

Literature cited by the submitters: PubMed 16670177; PubMed 26059544.